The following is an entry in ClinVar:

NM_025074.7(FRAS1):c.9504+8G>T

Gene: FRAS1 (Fraser extracellular matrix complex subunit 1; plus strand). Cytogenetic location: 4q21.21.
Variant type: single nucleotide variant.
Coding change: c.9504+8G>T on transcript NM_025074.7 (MANE Select); 8 bases into the intron after coding-DNA position 9504, G replaced by T.
Molecular consequence: intron variant.
Genome position (GRCh38, 1-based): chr4:78,507,616, G>T. VCF-style: chr4-78507616-G-T. GRCh37 (hg19) VCF-style: chr4-79428770-G-T.
Identifiers: ClinVar variation 2760360 (VCV002760360.6), dbSNP rs2475806399, ClinGen allele CA2697546783.
Genomic context (GRCh38, chr4:78,507,616, plus strand): 5'-CAATTCTAGACCAGGAGGCAGCAGGGAGCCTCATATTGCCAGCACCACCCATTGTGAGTT[G>T]CTTGACCCAAAGGATTGCTGTTTTACGTCTCAGTGACTAGTAGATGAGAACTGAAGGGAA-3'

ClinVar aggregate classification (germline): Conflicting classifications of pathogenicity. Review status: criteria provided, conflicting classifications (1 of 4 stars). 3 submissions from 3 submitters: Uncertain significance (2); Likely benign (1). Last evaluated 2024-04-12.

Conditions:
Fraser syndrome 1 (FRASRS1). Also called: CRYPTOPHTHALMOS WITH OTHER MALFORMATIONS. Identifiers: Orphanet 2052, MedGen C4551480, MONDO:0054737, OMIM 219000.

Submissions (3):

Fulgent Genetics
Classification: Uncertain significance for Fraser syndrome 1. Last evaluated: 2024-04-12. Review status: criteria provided, single submitter. Criteria: ACMG Guidelines, 2015. Collection method: clinical testing. Allele origin: germline.

Labcorp Genetics (formerly Invitae), Labcorp
Classification: Likely benign. Last evaluated: 2023-12-26. Review status: criteria provided, single submitter. Criteria: Invitae Variant Classification Sherloc (09022015). Collection method: clinical testing. Allele origin: germline.

Juno Genomics, Hangzhou Juno Genomics, Inc
Classification: Uncertain significance for Fraser syndrome 1. Review status: criteria provided, single submitter. Criteria: ACMG Guidelines, 2015. Collection method: clinical testing. Allele origin: germline.
Comment: Absent from controls (or at extremely low frequency if recessive) in Genome Aggregation Database.